The following is an entry in ClinVar:

NM_001292063.2(OTOG):c.5345T>C (p.Leu1782Pro)

Gene: OTOG (otogelin; plus strand). Cytogenetic location: 11p15.1.
Variant type: single nucleotide variant.
Coding change: c.5345T>C on transcript NM_001292063.2 (MANE Select); coding-DNA position 5345, T replaced by C.
Protein change: p.Leu1782Pro; replaces leucine 1782 with proline.
Molecular consequence: missense variant.
Genome position (GRCh38, 1-based): chr11:17,610,645, T>C. VCF-style: chr11-17610645-T-C. GRCh37 (hg19) VCF-style: chr11-17632192-T-C.
Other names: c.5381T>C, p.Leu1794Pro (NM_001277269.2); short protein forms L1794P, L1782P.
Identifiers: ClinVar variation 417918 (VCV000417918.51), dbSNP rs61744602, ClinGen allele CA5905916.

ClinVar aggregate classification (germline): Likely benign. Review status: criteria provided, multiple submitters, no conflicts (2 of 4 stars). 7 submissions from 7 submitters: Likely benign (5). 2 of the submissions do not count toward it. Last evaluated 2026-05-01.

Conditions:
OTOG-related disorder. Also called: OTOG-related condition.
Autosomal recessive nonsyndromic hearing loss 18B. Also called: Deafness, autosomal recessive 18b. Identifiers: Orphanet 90636, MedGen C3554163, MONDO:0013985, OMIM 614945.

Allele frequency attached by ClinVar (database versions not stated): 1000 Genomes Project 0.00060; ExAC 0.00062; gnomAD exomes 0.00163; gnomAD 0.00184 and 0.00187; TOPMed 0.00205; 1000 Genomes Project 30x 0.00047.
gnomAD v4.1: 4,572 of 1,550,610 alleles (0.29%); highest among the groups gnomAD compares: Non-Finnish European, 0.37%; 15 homozygotes.

Submissions (7):

CeGaT Center for Human Genetics Tuebingen
Classification: Likely benign. Last evaluated: 2026-05-01. Review status: criteria provided, single submitter. Criteria: CeGaT Center For Human Genetics Tuebingen Variant Classification Criteria Version 2. Collection method: clinical testing. Allele origin: germline. Affected: yes. Observed: 5 variant alleles.
Comment: OTOG: BP4, BS2

Labcorp Genetics (formerly Invitae), Labcorp
Classification: Likely benign. Last evaluated: 2025-09-15. Review status: criteria provided, single submitter. Criteria: Invitae Variant Classification Sherloc (09022015). Collection method: clinical testing. Allele origin: germline.

Blueprint Genetics
Classification: Likely benign. Last evaluated: 2024-11-26. Review status: criteria provided, single submitter. Criteria: ACMG Guidelines, 2015. Collection method: clinical testing. Allele origin: germline.

GeneDx
Classification: Likely benign. Last evaluated: 2020-12-15. Review status: criteria provided, single submitter. Criteria: GeneDx Variant Classification Process June 2021. Collection method: clinical testing. Allele origin: germline. Affected: yes.

Laboratory for Molecular Medicine, Mass General Brigham Personalized Medicine
Classification: Likely benign. Last evaluated: 2016-06-28. Review status: criteria provided, single submitter. Criteria: LMM Criteria. Collection method: clinical testing. Allele origin: germline. Observed: 1 variant allele.
Comment: p.Leu1794Pro in exon 35 of OTOG: This variant is not expected to have clinical s ignificance due to a lack of conservation across species, including mammals. Of note, 10 mammals have a proline (Pro) at this position despite high nearby amino acid conservation. In addition, computational prediction tools do not suggest a high likelihood of impact to the protein. The variant has also been seen in 9/5 336 European chromosomes by the Exome Aggregation Consortium (ExAC.; dbSNP rs61744602).

PreventionGenetics, part of Exact Sciences
Classification: Likely benign for OTOG-related condition. Last evaluated: 2022-01-19. Review status: no assertion criteria provided. Collection method: clinical testing. Allele origin: germline. Not counted in ClinVar's aggregate classification.
Comment: This variant is classified as likely benign based on ACMG/AMP sequence variant interpretation guidelines (Richards et al. 2015 PMID: 25741868, with internal and published modifications).

Division of Human Genetics, Children's Hospital of Philadelphia
Classification: Uncertain significance for Autosomal recessive nonsyndromic hearing loss 18B. Last evaluated: 2015-12-04. Review status: no assertion criteria provided. Collection method: research. Allele origin: germline. Affected: yes. Study: CSER-PediSeq. Not counted in ClinVar's aggregate classification.